The following is an entry in ClinVar:

ClinVar aggregate classification (germline): Pathogenic. Review status: criteria provided, multiple submitters, no conflicts (2 of 4 stars). 2 submissions from 2 submitters: Pathogenic (2). Last evaluated 2023-02-22.

Conditions:
Cerebral cavernous malformation (CCM). Also called: Cavernous Hemangioma of Brain; Cerebral cavernous hemangioma (type); Cerebral cavernous malformations; CAVERNOUS ANGIOMA, FAMILIAL; CAVERNOUS ANGIOMATOUS MALFORMATIONS; CEREBRAL CAPILLARY MALFORMATIONS. Identifiers: Orphanet 221061, MedGen C2919945, MONDO:0000820, OMIM 116860, HP:0033522.

Submissions (2):

Labcorp Genetics (formerly Invitae), Labcorp
Classification: Pathogenic for Cerebral cavernous malformation. Last evaluated: 2023-02-22. Review status: criteria provided, single submitter. Criteria: Invitae Variant Classification Sherloc (09022015). Collection method: clinical testing. Allele origin: germline.
Comment: For these reasons, this variant has been classified as Pathogenic. Algorithms developed to predict the effect of sequence changes on RNA splicing suggest that this variant may disrupt the consensus splice site. ClinVar contains an entry for this variant (Variation ID: 590734). This premature translational stop signal has been observed in individual(s) with cerebral cavernous malformation (PMID: 11959162). It has also been observed to segregate with disease in related individuals. This variant is not present in population databases (gnomAD no frequency). This sequence change creates a premature translational stop signal (p.Gln698*) in the KRIT1 gene. It is expected to result in an absent or disrupted protein product. Loss-of-function variants in KRIT1 are known to be pathogenic (PMID: 10508515, 11222804, 12404106, 24689081).

PreventionGenetics, part of Exact Sciences
Classification: Pathogenic. Last evaluated: 2018-08-14. Review status: criteria provided, single submitter. Criteria: ACMG Guidelines, 2015. Collection method: clinical testing. Allele origin: germline.

Literature cited by the submitters: PubMed 11959162 (cited by Labcorp Genetics (formerly Invitae), Labcorp); PubMed 10508515 (cited by Labcorp Genetics (formerly Invitae), Labcorp); PubMed 11222804 (cited by Labcorp Genetics (formerly Invitae), Labcorp); PubMed 12404106 (cited by Labcorp Genetics (formerly Invitae), Labcorp); PubMed 24689081 (cited by Labcorp Genetics (formerly Invitae), Labcorp).

NM_194454.3(KRIT1):c.2092C>T (p.Gln698Ter)

Gene: KRIT1 (KRIT1 ankyrin repeat containing; minus strand). Cytogenetic location: 7q21.2.
Variant type: single nucleotide variant.
Coding change: c.2092C>T on transcript NM_194454.3 (MANE Select); coding-DNA position 2092, C replaced by T.
Protein change: p.Gln698Ter; replaces glutamine 698 with a stop codon.
Molecular consequence: nonsense.
Genome position (GRCh38, 1-based): chr7:92,201,357, G>A on the plus strand (C>T on the coding strand, the complement: KRIT1 is on the minus strand). VCF-style: chr7-92201357-G-A. GRCh37 (hg19) VCF-style: chr7-91830671-G-A.
Other names: c.1948C>T, p.Gln650Ter (NM_001013406.2, NM_001350669.1, NM_001350670.1); c.1378C>T, p.Gln460Ter (NM_001350671.1); c.2092C>T, p.Gln698Ter (NM_001350672.1, NM_001350673.1, NM_001350674.1 and 26 more transcripts); short protein forms Q698*, Q650*, Q460*.
Identifiers: ClinVar variation 590734 (VCV000590734.11), dbSNP rs1563211627, ClinGen allele CA368166698.